The following is an entry in ClinVar:

NM_001540.5(HSPB1):c.615G>A (p.Lys205=)

Gene: HSPB1 (heat shock protein family B (small) member 1; plus strand). Cytogenetic location: 7q11.23.
Variant type: single nucleotide variant.
Coding change: c.615G>A on transcript NM_001540.5 (MANE Select); coding-DNA position 615, G replaced by A.
Protein change: p.Lys205=; no amino-acid change (lysine 205 retained).
Molecular consequence: synonymous variant.
Genome position (GRCh38, 1-based): chr7:76,304,170, G>A. VCF-style: chr7-76304170-G-A. GRCh37 (hg19) VCF-style: chr7-75933487-G-A.
Identifiers: ClinVar variation 908866 (VCV000908866.4), dbSNP rs1310856057, ClinGen allele CA456071702.

ClinVar aggregate classification (germline): Uncertain significance. Review status: criteria provided, single submitter (1 of 4 stars). 2 submissions from 1 submitter: Uncertain significance (2). Last evaluated 2017-04-27.

Conditions:
Neuronopathy, distal hereditary motor, type 2B. Also called: HMN IIB; NEURONOPATHY, DISTAL HEREDITARY MOTOR, AUTOSOMAL DOMINANT 3; NEURONOPATHY, DISTAL HEREDITARY MOTOR, HARDING TYPE IIB; NEUROPATHY, DISTAL HEREDITARY MOTOR, HARDING TYPE IIB. Identifiers: Orphanet 139525, MedGen C2608087, MONDO:0012080, OMIM 608634.
Charcot-Marie-Tooth disease axonal type 2F (CMT2F). Also called: Charcot-Marie-Tooth Neuropathy Type 2F; CHARCOT-MARIE-TOOTH DISEASE, NEURONAL, TYPE 2F. Identifiers: Orphanet 99940, MedGen C1847823, MONDO:0011687, OMIM 606595.

Submissions (2):

Illumina Laboratory Services, Illumina
Classification: Uncertain significance for Charcot-Marie-Tooth disease axonal type 2F. Last evaluated: 2017-04-27. Review status: criteria provided, single submitter. Criteria: ICSL Variant Classification Criteria 13 December 2019. Collection method: clinical testing. Allele origin: germline.
Comment: This variant was observed as part of a predisposition screen in an ostensibly healthy population. A literature search was performed for the gene, cDNA change, and amino acid change (where applicable). Publications were found based on this search. However, the evidence from the literature, in combination with allele frequency data from public databases where available, was not sufficient to rule this variant in or out of causing disease. Therefore, this variant is classified as a variant of unknown significance.

Illumina Laboratory Services, Illumina
Classification: Uncertain significance for Neuronopathy, distal hereditary motor, type 2B. Last evaluated: 2017-04-27. Review status: criteria provided, single submitter. Criteria: ICSL Variant Classification Criteria 13 December 2019. Collection method: clinical testing. Allele origin: germline.

Literature cited by the submitters: PubMed 22057845.